The following is an entry in ClinVar:

NM_000260.4(MYO7A):c.4659C>G (p.Pro1553=)

Gene: MYO7A (myosin VIIA; plus strand). Cytogenetic location: 11q13.5.
Variant type: single nucleotide variant.
Coding change: c.4659C>G on transcript NM_000260.4 (MANE Select); coding-DNA position 4659, C replaced by G.
Protein change: p.Pro1553=; no amino-acid change (proline 1553 retained).
Molecular consequence: synonymous variant. On other transcripts: intron variant (2).
Genome position (GRCh38, 1-based): chr11:77,199,625, C>G. VCF-style: chr11-77199625-C-G. GRCh37 (hg19) VCF-style: chr11-76910670-C-G.
Other names: c.4659C>G (NM_000260.3); c.4536-24C>G (NM_001369365.1); c.4569-24C>G (NM_001127180.2).
Identifiers: ClinVar variation 1621906 (VCV001621906.10), dbSNP rs768890752, ClinGen allele CA6198514.

ClinVar aggregate classification (germline): Conflicting classifications of pathogenicity. Review status: criteria provided, conflicting classifications (1 of 4 stars). 3 submissions from 3 submitters: Uncertain significance (1); Likely benign (2). Last evaluated 2026-01-21.

Allele frequency attached by ClinVar (database versions not stated): ExAC 0.00001; gnomAD 0.00001; TOPMed 0.00001.
gnomAD v4.1: 3 of 1,608,630 alleles (0.00019%); highest among the groups gnomAD compares: African/African-American, 0.0013%; no homozygotes.

Submissions (3):

Women's Health and Genetics/Laboratory Corporation of America, LabCorp
Classification: Likely benign. Last evaluated: 2026-01-21. Review status: criteria provided, single submitter. Criteria: LabCorp Variant Classification Summary - May 2015. Collection method: clinical testing. Allele origin: germline.

GeneDx
Classification: Uncertain significance. Last evaluated: 2025-06-09. Review status: criteria provided, single submitter. Criteria: GeneDx Variant Classification Process June 2021. Collection method: clinical testing. Allele origin: germline. Affected: yes.
Comment: Not observed at significant frequency in large population cohorts (gnomAD); In silico analysis suggests that this variant does not alter splicing; Has not been previously published as pathogenic or benign to our knowledge

Labcorp Genetics (formerly Invitae), Labcorp
Classification: Likely benign. Last evaluated: 2021-04-18. Review status: criteria provided, single submitter. Criteria: Invitae Variant Classification Sherloc (09022015). Collection method: clinical testing. Allele origin: germline.